The following is an entry in ClinVar:

NM_001005361.3(DNM2):c.161+3G>A

Genes: MIR638 (microRNA 638; plus strand), DNM2 (dynamin 2; plus strand), LOC130063529 (ATAC-STARR-seq lymphoblastoid silent region 10090; plus strand). Cytogenetic location: 19p13.2.
Variant type: single nucleotide variant.
Coding change: c.161+3G>A on transcript NM_001005361.3 (MANE Select); 3 bases into the intron after coding-DNA position 161, G replaced by A.
Molecular consequence: intron variant. On other transcripts: non-coding transcript variant (1).
Genome position (GRCh38, 1-based): chr19:10,718,406, G>A. VCF-style: chr19-10718406-G-A. GRCh37 (hg19) VCF-style: chr19-10829082-G-A.
Other names: c.161+3G>A (NM_001005360.3, NM_001190716.2, NM_004945.4 and 1 more transcripts).
Identifiers: ClinVar variation 533826 (VCV000533826.7), dbSNP rs1555696272, ClinGen allele CA505483455.

ClinVar aggregate classification (germline): Uncertain significance (1 of 4 stars; one submission).

Conditions:
Charcot-Marie-Tooth disease dominant intermediate B (CMTDIB). Also called: CHARCOT-MARIE-TOOTH NEUROPATHY, DOMINANT INTERMEDIATE B; Charcot-Marie-Tooth disease dominant intermediate 1; CMT DI1; Charcot-Marie-Tooth disease dominant intermediate I. Identifiers: Orphanet 100044, Orphanet 228179, MedGen C1847902, MONDO:0011674, OMIM 606482.

Submission:

Labcorp Genetics (formerly Invitae), Labcorp
Classification: Uncertain significance for Charcot-Marie-Tooth disease dominant intermediate B. Last evaluated: 2022-06-27. Review status: criteria provided, single submitter. Criteria: Invitae Variant Classification Sherloc (09022015). Collection method: clinical testing. Allele origin: germline.
Comment: This sequence change falls in intron 1 of the DNM2 gene. It does not directly change the encoded amino acid sequence of the DNM2 protein. It affects a nucleotide within the consensus splice site. In summary, the available evidence is currently insufficient to determine the role of this variant in disease. Therefore, it has been classified as a Variant of Uncertain Significance. Variants that disrupt the consensus splice site are a relatively common cause of aberrant splicing (PMID: 17576681, 9536098). Algorithms developed to predict the effect of sequence changes on RNA splicing suggest that this variant is not likely to affect RNA splicing. ClinVar contains an entry for this variant (Variation ID: 533826). This variant has not been reported in the literature in individuals affected with DNM2-related conditions. This variant is not present in population databases (gnomAD no frequency).

Literature cited by the submitters: PubMed 17576681; PubMed 9536098.